The following is an entry in ClinVar:

NM_001037.5(SCN1B):c.3G>A (p.Met1Ile)

Gene: SCN1B (sodium voltage-gated channel beta subunit 1; plus strand). Cytogenetic location: 19q13.11.
Variant type: single nucleotide variant.
Coding change: c.3G>A on transcript NM_001037.5 (MANE Select); coding-DNA position 3, G replaced by A.
Protein change: p.Met1Ile; changes the start codon (methionine 1).
Molecular consequence: missense variant, initiator codon variant.
Genome position (GRCh38, 1-based): chr19:35,030,823, G>A. VCF-style: chr19-35030823-G-A. GRCh37 (hg19) VCF-style: chr19-35521727-G-A.
Other names: c.3G>A, p.Met1Ile (NM_199037.5); short protein forms M1I.
Identifiers: ClinVar variation 2891167 (VCV002891167.3), dbSNP rs2064208424, ClinGen allele CA405327779.

ClinVar aggregate classification (germline): Pathogenic (1 of 4 stars; one submission).

Conditions:
Brugada syndrome 5 (BRGDA5). Identifiers: Orphanet 130, Orphanet 871, MedGen C2748541, MONDO:0013015, OMIM 612838.

Submission:

Labcorp Genetics (formerly Invitae), Labcorp
Classification: Pathogenic for Brugada syndrome 5. Last evaluated: 2023-01-02. Review status: criteria provided, single submitter. Criteria: Invitae Variant Classification Sherloc (09022015). Collection method: clinical testing. Allele origin: germline.
Comment: For these reasons, this variant has been classified as Pathogenic. Disruption of the initiator codon has been observed in individuals with clinical features of generalized epilepsy with febrile seizures plus (PMID: 30660056; Invitae). It has also been observed to segregate with disease in related individuals. This variant is not present in population databases (gnomAD no frequency). This sequence change affects the initiator methionine of the SCN1B mRNA. The next in-frame methionine is located at codon 34.

Literature cited by the submitters: PubMed 30660056.